The following is an entry in ClinVar:

ClinVar aggregate classification (germline): Uncertain significance. Review status: criteria provided, multiple submitters, no conflicts (2 of 4 stars). 2 submissions from 2 submitters: Uncertain significance (2). Last evaluated 2025-06-29.

Conditions:
Inborn genetic diseases. Identifiers: MedGen C0950123, MeSH D030342.

Submissions (2):

Ambry Genetics
Classification: Uncertain significance for Inborn genetic diseases. Last evaluated: 2025-06-29. Review status: criteria provided, single submitter. Criteria: Ambry Variant Classification Scheme 2023. Collection method: clinical testing. Allele origin: germline.

Labcorp Genetics (formerly Invitae), Labcorp
Classification: Uncertain significance. Last evaluated: 2021-04-02. Review status: criteria provided, single submitter. Criteria: Invitae Variant Classification Sherloc (09022015). Collection method: clinical testing. Allele origin: germline.
Comment: Algorithms developed to predict the effect of missense changes on protein structure and function are either unavailable or do not agree on the potential impact of this missense change (SIFT: "Deleterious"; PolyPhen-2: "Possibly Damaging"; Align-GVGD: "Class C0"). This variant has been observed in individual(s) with clinical features of SCN3A-related conditions (Invitae). ClinVar contains an entry for this variant (Variation ID: 850457). This variant is not present in population databases (ExAC no frequency). This sequence change replaces valine with methionine at codon 939 of the SCN3A protein (p.Val939Met). The valine residue is highly conserved and there is a small physicochemical difference between valine and methionine. In summary, the available evidence is currently insufficient to determine the role of this variant in disease. Therefore, it has been classified as a Variant of Uncertain Significance.

NM_006922.4(SCN3A):c.2815G>A (p.Val939Met)

Gene: SCN3A (sodium voltage-gated channel alpha subunit 3; minus strand). Cytogenetic location: 2q24.3.
Variant type: single nucleotide variant.
Coding change: c.2815G>A on transcript NM_006922.4 (MANE Select); coding-DNA position 2815, G replaced by A.
Protein change: p.Val939Met; replaces valine 939 with methionine.
Molecular consequence: missense variant.
Genome position (GRCh38, 1-based): chr2:165,130,047, C>T on the plus strand (G>A on the coding strand, the complement: SCN3A is on the minus strand). VCF-style: chr2-165130047-C-T. GRCh37 (hg19) VCF-style: chr2-165986557-C-T.
Other names: c.2668G>A, p.Val890Met (NM_001081676.2, NM_001081677.2); short protein forms V890M, V939M.
Identifiers: ClinVar variation 850457 (VCV000850457.10), dbSNP rs1687220328, ClinGen allele CA349042462.